The following is an entry in ClinVar:

NM_181503.3(EXOSC8):c.736G>A (p.Ala246Thr)

Gene: EXOSC8 (exosome component 8; plus strand). Cytogenetic location: 13q13.3.
Variant type: single nucleotide variant.
Coding change: c.736G>A on transcript NM_181503.3 (MANE Select); coding-DNA position 736, G replaced by A.
Protein change: p.Ala246Thr; replaces alanine 246 with threonine.
Molecular consequence: missense variant.
Genome position (GRCh38, 1-based): chr13:37,009,204, G>A. VCF-style: chr13-37009204-G-A. GRCh37 (hg19) VCF-style: chr13-37583341-G-A.
Other names: short protein forms A246T.
Identifiers: ClinVar variation 2721209 (VCV002721209.3), dbSNP rs566096228, ClinGen allele CA6951350.
Genomic context (GRCh38, chr13:37,009,204, plus strand): 5'-GATAACTGAGATTAAAAGTATTGGCAAAATAATTTTTCAGGTGGAAGTGGGCTAACTGGA[G>A]CTAAACTTCAGGACTGTATGAGCCGAGCAGTTACAAGACACAAAGAAGTTAAAAAACTGA-3'
Protein context (NP_852480.1, residues 236-256): HKPGGSGLTG[Ala246Thr]KLQDCMSRAV

ClinVar aggregate classification (germline): Uncertain significance (1 of 4 stars; one submission).

Allele frequency attached by ClinVar (database versions not stated): gnomAD exomes 0.00002; ExAC 0.00003; gnomAD 0.00004; 1000 Genomes Project 30x 0.00016; 1000 Genomes Project 0.00020.
gnomAD v4.1: 29 of 1,611,460 alleles (0.0018%); highest among the groups gnomAD compares: South Asian, 0.028%; no homozygotes.

Submission:

Labcorp Genetics (formerly Invitae), Labcorp
Classification: Uncertain significance. Last evaluated: 2023-07-29. Review status: criteria provided, single submitter. Criteria: Invitae Variant Classification Sherloc (09022015). Collection method: clinical testing. Allele origin: germline.
Comment: In summary, the available evidence is currently insufficient to determine the role of this variant in disease. Therefore, it has been classified as a Variant of Uncertain Significance. Advanced modeling of protein sequence and biophysical properties (such as structural, functional, and spatial information, amino acid conservation, physicochemical variation, residue mobility, and thermodynamic stability) performed at Invitae indicates that this missense variant is not expected to disrupt EXOSC8 protein function. This variant has not been reported in the literature in individuals affected with EXOSC8-related conditions. This variant is present in population databases (rs566096228, gnomAD 0.02%). This sequence change replaces alanine, which is neutral and non-polar, with threonine, which is neutral and polar, at codon 246 of the EXOSC8 protein (p.Ala246Thr).